The following is an entry in ClinVar:

ClinVar aggregate classification (germline): Uncertain significance (1 of 4 stars; one submission).

gnomAD v4.1: 1 of 1,577,254 alleles (0.000063%); no homozygotes.

Submission:

CeGaT Center for Human Genetics Tuebingen
Classification: Uncertain significance. Last evaluated: 2022-08-01. Review status: criteria provided, single submitter. Criteria: CeGaT Center For Human Genetics Tuebingen Variant Classification Criteria Version 2. Collection method: clinical testing. Allele origin: germline. Affected: yes. Observed: 1 variant allele.
Comment: NBEA: PM2

NM_001385012.1(NBEA):c.6434T>C (p.Ile2145Thr)

Gene: NBEA (neurobeachin; plus strand). Cytogenetic location: 13q13.3.
Variant type: single nucleotide variant.
Coding change: c.6434T>C on transcript NM_001385012.1 (MANE Select); coding-DNA position 6434, T replaced by C.
Protein change: p.Ile2145Thr; replaces isoleucine 2145 with threonine.
Molecular consequence: missense variant.
Genome position (GRCh38, 1-based): chr13:35,452,221, T>C. VCF-style: chr13-35452221-T-C. GRCh37 (hg19) VCF-style: chr13-36026358-T-C.
Other names: c.6425T>C, p.Ile2142Thr (NM_001379245.1); c.6434T>C, p.Ile2145Thr (NM_015678.5); short protein forms I2142T, I2145T.
Identifiers: ClinVar variation 2643759 (VCV002643759.24), dbSNP rs2549565645, ClinGen allele CA387982062.